The following is an entry in ClinVar:

NM_001692.4(ATP6V1B1):c.118+18C>T

Gene: ATP6V1B1 (ATPase H+ transporting V1 subunit B1; plus strand). Cytogenetic location: 2p13.3.
Variant type: single nucleotide variant.
Coding change: c.118+18C>T on transcript NM_001692.4 (MANE Select); 18 bases into the intron after coding-DNA position 118, C replaced by T.
Molecular consequence: intron variant.
Genome position (GRCh38, 1-based): chr2:70,936,090, C>T. VCF-style: chr2-70936090-C-T. GRCh37 (hg19) VCF-style: chr2-71163220-C-T.
Identifiers: ClinVar variation 682699 (VCV000682699.14), dbSNP rs35768563, ClinGen allele CA1700843.

ClinVar aggregate classification (germline): Benign/Likely benign. Review status: criteria provided, multiple submitters, no conflicts (2 of 4 stars). 4 submissions from 4 submitters: Benign (2); Likely benign (2). Last evaluated 2026-02-04.

Conditions:
Renal tubular acidosis with progressive nerve deafness. Also called: Distal Renal Tubular Acidosis with Progressive Sensorineural Deafness; RENAL TUBULAR ACIDOSIS, AUTOSOMAL RECESSIVE, WITH PROGRESSIVE NERVE DEAFNESS; RTA WITH PROGRESSIVE NERVE DEAFNESS; renal tubular acidosis, distal, 2, with progressive sensorineural hearing loss. Identifiers: MedGen C0403554, MONDO:0009968, OMIM 267300.

Allele frequency attached by ClinVar (database versions not stated): 1000 Genomes Project 30x 0.01608; 1000 Genomes Project 0.01637; ESP Exome Variant Server 0.02076; TOPMed 0.02155; gnomAD 0.02289 and 0.02338; ExAC 0.02697; gnomAD exomes 0.02805 and 0.03335.

Submissions (4):

Labcorp Genetics (formerly Invitae), Labcorp
Classification: Benign. Last evaluated: 2026-02-04. Review status: criteria provided, single submitter. Criteria: Invitae Variant Classification Sherloc (09022015). Collection method: clinical testing. Allele origin: germline.

Genome-Nilou Lab
Classification: Benign for Renal tubular acidosis with progressive nerve deafness. Last evaluated: 2021-07-10. Review status: criteria provided, single submitter. Criteria: ACMG Guidelines, 2015. Collection method: clinical testing. Allele origin: germline. Affected: no.

GeneDx
Classification: Likely benign. Last evaluated: 2018-06-14. Review status: criteria provided, single submitter. Criteria: GeneDx Variant Classification (06012015). Collection method: clinical testing. Allele origin: germline. Affected: yes.
Comment: This variant is considered likely benign or benign based on one or more of the following criteria: it is a conservative change, it occurs at a poorly conserved position in the protein, it is predicted to be benign by multiple in silico algorithms, and/or has population frequency not consistent with disease.

Breakthrough Genomics
Classification: Likely benign. Review status: criteria provided, single submitter. Criteria: ACMG Guidelines, 2015. Collection method: not provided. Allele origin: germline. Inheritance: Autosomal recessive inheritance. Affected: yes.